The following is an entry in ClinVar:

NM_003331.5(TYK2):c.583G>T (p.Ala195Ser)

Gene: TYK2 (tyrosine kinase 2; minus strand). Cytogenetic location: 19p13.2.
Variant type: single nucleotide variant.
Coding change: c.583G>T on transcript NM_003331.5 (MANE Select); coding-DNA position 583, G replaced by T.
Protein change: p.Ala195Ser; replaces alanine 195 with serine.
Molecular consequence: missense variant.
Genome position (GRCh38, 1-based): chr19:10,366,463, C>A on the plus strand (G>T on the coding strand, the complement: TYK2 is on the minus strand). VCF-style: chr19-10366463-C-A. GRCh37 (hg19) VCF-style: chr19-10477139-C-A.
Other names: short protein forms A195S.
Identifiers: ClinVar variation 943745 (VCV000943745.10), dbSNP rs201107041, ClinGen allele CA404017857.
Genomic context (GRCh38, chr19:10,366,463, plus strand): 5'-CCATTCCCAGACACCTGGTCTTCTTGGCCACCTCCTCCAGGGGGATGCCATGGCGGAGAG[C>A]GAGGTGACAGAGGTGCAGAAAGGCCATGCCCAGGCTCTCATTCTTAAAGTGGTGGATCTC-3'
Protein context (NP_003322.3, residues 185-205): GMAFLHLCHL[Ala195Ser]LRHGIPLEEV

ClinVar aggregate classification (germline): Uncertain significance. Review status: criteria provided, multiple submitters, no conflicts (2 of 4 stars). 2 submissions from 2 submitters: Uncertain significance (2). Last evaluated 2024-12-13.

Conditions:
Immunodeficiency 35 (IMD35). Also called: HIES WITH ATYPICAL MYCOBACTERIOSIS, AUTOSOMAL RECESSIVE; HYPER-IgE SYNDROME WITH ATYPICAL MYCOBACTERIOSIS, AUTOSOMAL RECESSIVE; Susceptibility to infection due to TYK2 deficiency; TYK2 DEFICIENCY. Identifiers: Orphanet 331226, MedGen C1969086, MONDO:0012682, OMIM 611521.
Inborn genetic diseases. Identifiers: MedGen C0950123, MeSH D030342.

Allele frequency attached by ClinVar (database versions not stated): TOPMed 0.00001.
gnomAD v4.1: 3 of 1,613,952 alleles (0.00019%); highest among the groups gnomAD compares: Non-Finnish European, 0.00025%; no homozygotes.

Submissions (2):

Ambry Genetics
Classification: Uncertain significance for Inborn genetic diseases. Last evaluated: 2024-12-13. Review status: criteria provided, single submitter. Criteria: Ambry Variant Classification Scheme 2023. Collection method: clinical testing. Allele origin: germline.

Labcorp Genetics (formerly Invitae), Labcorp
Classification: Uncertain significance for Immunodeficiency 35. Last evaluated: 2024-10-21. Review status: criteria provided, single submitter. Criteria: Invitae Variant Classification Sherloc (09022015). Collection method: clinical testing. Allele origin: germline.
Comment: This sequence change replaces alanine, which is neutral and non-polar, with serine, which is neutral and polar, at codon 195 of the TYK2 protein (p.Ala195Ser). This variant is present in population databases (no rsID available, gnomAD 0.002%). This variant has not been reported in the literature in individuals affected with TYK2-related conditions. ClinVar contains an entry for this variant (Variation ID: 943745). Invitae Evidence Modeling of protein sequence and biophysical properties (such as structural, functional, and spatial information, amino acid conservation, physicochemical variation, residue mobility, and thermodynamic stability) indicates that this missense variant is not expected to disrupt TYK2 protein function with a negative predictive value of 80%. In summary, the available evidence is currently insufficient to determine the role of this variant in disease. Therefore, it has been classified as a Variant of Uncertain Significance.